The following is an entry in ClinVar:

ClinVar aggregate classification (germline): Uncertain significance. Review status: criteria provided, multiple submitters, no conflicts (2 of 4 stars). 3 submissions from 3 submitters: Uncertain significance (3). Last evaluated 2025-12-31.

Conditions:
NOG-related disorder. Also called: NOG-related disorders; NOG-related condition.
Inborn genetic diseases. Identifiers: MedGen C0950123, MeSH D030342.

Allele frequency attached by ClinVar (database versions not stated): gnomAD exomes 0.00002; gnomAD 0.00004.

Submissions (3):

PreventionGenetics, part of Exact Sciences
Classification: Uncertain significance for NOG-related condition. Last evaluated: 2025-12-31. Review status: criteria provided, single submitter. Criteria: ACMG Guidelines, 2015. Collection method: clinical testing. Allele origin: germline.
Comment: The NOG c.260G>C variant is predicted to result in the amino acid substitution p.Arg87Pro. To our knowledge, this variant has not been reported in the literature or in a large population database (gnomAD), indicating this variant is rare. At this time, the clinical significance of this variant is uncertain due to the absence of conclusive functional and genetic evidence.

Labcorp Genetics (formerly Invitae), Labcorp
Classification: Uncertain significance. Last evaluated: 2025-09-21. Review status: criteria provided, single submitter. Criteria: Invitae Variant Classification Sherloc (09022015). Collection method: clinical testing. Allele origin: germline.
Comment: This sequence change replaces arginine, which is basic and polar, with proline, which is neutral and non-polar, at codon 87 of the NOG protein (p.Arg87Pro). This variant is not present in population databases (gnomAD no frequency). This variant has not been reported in the literature in individuals affected with NOG-related conditions. ClinVar contains an entry for this variant (Variation ID: 1414450). An algorithm developed to predict the effect of missense changes on protein structure and function (PolyPhen-2) suggests that this variant is likely to be tolerated. In summary, the available evidence is currently insufficient to determine the role of this variant in disease. Therefore, it has been classified as a Variant of Uncertain Significance.

Ambry Genetics
Classification: Uncertain significance for Inborn genetic diseases. Last evaluated: 2024-08-27. Review status: criteria provided, single submitter. Criteria: Ambry Variant Classification Scheme 2023. Collection method: clinical testing. Allele origin: germline.

NM_005450.6(NOG):c.260G>C (p.Arg87Pro)

Gene: NOG (noggin; plus strand). Cytogenetic location: 17q22.
Variant type: single nucleotide variant.
Coding change: c.260G>C on transcript NM_005450.6 (MANE Select); coding-DNA position 260, G replaced by C.
Protein change: p.Arg87Pro; replaces arginine 87 with proline.
Molecular consequence: missense variant.
Genome position (GRCh38, 1-based): chr17:56,594,483, G>C. VCF-style: chr17-56594483-G-C. GRCh37 (hg19) VCF-style: chr17-54671844-G-C.
Other names: c.260G>C (NM_005450.4); short protein forms R87P.
Identifiers: ClinVar variation 1414450 (VCV001414450.8), dbSNP rs1024719173, ClinGen allele CA292532891.
Genomic context (GRCh38, chr17:56,594,483, plus strand): 5'-GCTCGCTGCTCGGGGGCCACTACGACCCAGGCTTCATGGCCACCTCGCCCCCCGAGGACC[G>C]GCCCGGCGGGGGCGGGGGTGCAGCTGGGGGCGCGGAGGACCTGGCGGAGCTGGACCAGCT-3'
Protein context (NP_005441.1, residues 77-97): GFMATSPPED[Arg87Pro]PGGGGGAAGG